The following is an entry in ClinVar:

NM_000264.5(PTCH1):c.4037C>T (p.Ser1346Phe)

Gene: PTCH1 (patched 1; minus strand). Cytogenetic location: 9q22.32.
Variant type: single nucleotide variant.
Coding change: c.4037C>T on transcript NM_000264.5 (MANE Select); coding-DNA position 4037, C replaced by T.
Protein change: p.Ser1346Phe; replaces serine 1346 with phenylalanine.
Molecular consequence: missense variant. On other transcripts: non-coding transcript variant (1).
Genome position (GRCh38, 1-based): chr9:95,447,219, G>A on the plus strand (C>T on the coding strand, the complement: PTCH1 is on the minus strand). VCF-style: chr9-95447219-G-A. GRCh37 (hg19) VCF-style: chr9-98209501-G-A.
Other names: c.3839C>T, p.Ser1280Phe (NM_001083602.3); c.4034C>T, p.Ser1345Phe (NM_001083603.3); c.3584C>T, p.Ser1195Phe (NM_001083604.3, NM_001083605.3, NM_001083606.3 and 1 more transcripts); c.3881C>T, p.Ser1294Phe (NM_001354918.2); short protein forms S1280F, S1346F, S1345F, S1195F, S1294F.
Identifiers: ClinVar variation 453878 (VCV000453878.10), dbSNP rs1554688418, ClinGen allele CA374110435.

ClinVar aggregate classification (germline): Uncertain significance. Review status: criteria provided, multiple submitters, no conflicts (2 of 4 stars). 2 submissions from 2 submitters: Uncertain significance (2). Last evaluated 2024-04-19.

Conditions:
Hereditary cancer-predisposing syndrome. Also called: Tumor predisposition; Hereditary Cancer Syndrome; Neoplastic Syndromes, Hereditary; Hereditary neoplastic syndrome. Identifiers: Orphanet 140162, MedGen C0027672, MeSH D009386, MONDO:0015356.
Gorlin syndrome. Also called: Basal cell nevus syndrome; Nevoid Basal Cell Carcinoma Syndrome. Identifiers: Orphanet 377, MedGen C0004779, MONDO:0007187.

Submissions (2):

Ambry Genetics
Classification: Uncertain significance for Hereditary cancer-predisposing syndrome. Last evaluated: 2024-04-19. Review status: criteria provided, single submitter. Criteria: Ambry Variant Classification Scheme 2023. Collection method: clinical testing. Allele origin: germline.
Comment: The p.S1346F variant (also known as c.4037C>T), located in coding exon 23 of the PTCH1 gene, results from a C to T substitution at nucleotide position 4037. The serine at codon 1346 is replaced by phenylalanine, an amino acid with highly dissimilar properties. This amino acid position is conserved. In addition, this alteration is predicted to be tolerated by in silico analysis. Based on the available evidence, the clinical significance of this variant remains unclear.

Labcorp Genetics (formerly Invitae), Labcorp
Classification: Uncertain significance for Gorlin syndrome. Last evaluated: 2017-07-09. Review status: criteria provided, single submitter. Criteria: Invitae Variant Classification Sherloc (09022015). Collection method: clinical testing. Allele origin: germline.
Comment: This sequence change replaces serine with phenylalanine at codon 1346 of the PTCH1 protein (p.Ser1346Phe). The serine residue is moderately conserved and there is a large physicochemical difference between serine and phenylalanine. In summary, the available evidence is currently insufficient to determine the role of this variant in disease. Therefore, it has been classified as a Variant of Uncertain Significance. Algorithms developed to predict the effect of missense changes on protein structure and function output the following: SIFT: "Deleterious"; PolyPhen-2: "Benign"; Align-GVGD: "Class C0". The phenylalanine amino acid residue is found in multiple mammalian species, suggesting that this missense change does not adversely affect protein function. These predictions have not been confirmed by published functional studies and their clinical significance is uncertain. This variant has not been reported in the literature in individuals with PTCH1-related disease. This variant is not present in population databases (ExAC no frequency).